The following is an entry in ClinVar:

NM_001127511.3(APC):c.-106G>A

Gene: APC (APC regulator of Wnt signaling pathway; plus strand). Cytogenetic location: 5q22.2.
Variant type: single nucleotide variant.
Coding change: c.-106G>A on transcript NM_001127511.3; 106 bases upstream of the start codon, G replaced by A.
Molecular consequence: 5 prime UTR variant. On other transcripts: non-coding transcript variant (2).
Genome position (GRCh38, 1-based): chr5:112,707,612, G>A. VCF-style: chr5-112707612-G-A. GRCh37 (hg19) VCF-style: chr5-112043309-G-A.
Other names: c.-289G>A (NM_001354895.2, NM_001407447.1, NM_001407452.1 and 3 more transcripts); c.-106G>A (NM_001354897.2, NM_001354902.2, NM_001407446.1); c.-56G>A (NM_001407448.1, NM_001407450.1, NM_001407457.1 and 1 more transcripts); c.-80G>A (NM_001407453.1); c.-1324G>A (NM_001407470.1, NM_001407472.1).
Identifiers: ClinVar variation 2692908 (VCV002692908.3), dbSNP rs2149629791, ClinGen allele CA2697546387.
Genomic context (GRCh38, chr5:112,707,612, plus strand): 5'-CGGGGTGTGGCCGCCGGAAGCCTAGCCGCTGCTCGGGGGGGACCTGCGGGCTCAGGCCCG[G>A]GAGCTGCGGACCGAGGTTGGCTCGATGCTGTTCCCAGGTACTGTTGTTGGCTGTTGGTGA-3'

ClinVar aggregate classification (germline): Uncertain significance (1 of 4 stars; one submission).

Conditions:
Familial adenomatous polyposis 1 (FAP1). Also called: FAMILIAL ADENOMATOUS POLYPOSIS 1, ATTENUATED; POLYPOSIS, ADENOMATOUS INTESTINAL. Identifiers: MedGen C2713442, MONDO:0021056, OMIM 175100. Disease mechanism: loss of function.

Submission:

Labcorp Genetics (formerly Invitae), Labcorp
Classification: Uncertain significance for Familial adenomatous polyposis 1. Last evaluated: 2023-11-03. Review status: criteria provided, single submitter. Criteria: Invitae Variant Classification Sherloc (09022015). Collection method: clinical testing. Allele origin: germline.
Comment: This variant occurs in a non-coding region of the APC gene. It does not change the encoded amino acid sequence of the APC protein. This variant is not present in population databases (gnomAD no frequency). This variant has not been reported in the literature in individuals affected with APC-related conditions. Experimental studies and prediction algorithms are not available or were not evaluated, and the functional significance of this variant is currently unknown. In summary, the available evidence is currently insufficient to determine the role of this variant in disease. Therefore, it has been classified as a Variant of Uncertain Significance.